The following is an entry in ClinVar:

NM_002124.4(HLA-DRB1):c.117_118insTA (p.Pro40fs)

Gene: HLA-DRB1 (major histocompatibility complex, class II, DR beta 1; minus strand). Cytogenetic location: 6p21.32.
Variant type: Insertion.
Coding change: c.117_118insTA on transcript NM_002124.4 (MANE Select); coding-DNA positions 117 to 118, TA inserted.
Protein change: p.Pro40fs; shifts the reading frame from proline 40.
Molecular consequence: frameshift variant.
Genome position: GRCh38 VCF-style: chr6-32584361-G-GTA. GRCh37 (hg19) VCF-style: chr6-32552138-G-GTA.
Other names: short protein forms P40fs.
Identifiers: ClinVar variation 3059842 (VCV003059842.2), dbSNP rs749085224, ClinGen allele CA3743415.

ClinVar aggregate classification (germline): Likely benign (0 of 4 stars; one submission).

Conditions:
HLA-DRB1-related disorder. Also called: HLA-DRB1-related condition.

Allele frequency attached by ClinVar (database versions not stated): ExAC 0.20027; gnomAD 0.32707.

Submission:

PreventionGenetics, part of Exact Sciences
Classification: Likely benign for HLA-DRB1-related condition. Last evaluated: 2020-12-17. Review status: no assertion criteria provided. Collection method: clinical testing. Allele origin: germline.
Comment: This variant is classified as likely benign based on ACMG/AMP sequence variant interpretation guidelines (Richards et al. 2015 PMID: 25741868, with internal and published modifications).